The following is an entry in ClinVar:

NM_004937.3(CTNS):c.285A>T (p.Gly95=)

Genes: CTNS (cystinosin, lysosomal cystine transporter; plus strand), CTNS-AS1 (CTNS antisense RNA 1; minus strand). Cytogenetic location: 17p13.2.
Variant type: single nucleotide variant.
Coding change: c.285A>T on transcript NM_004937.3 (MANE Select); coding-DNA position 285, A replaced by T.
Protein change: p.Gly95=; no amino-acid change (glycine 95 retained).
Molecular consequence: synonymous variant. On other transcripts: 5 prime UTR variant (4).
Genome position (GRCh38, 1-based): chr17:3,655,057, A>T. VCF-style: chr17-3655057-A-T. GRCh37 (hg19) VCF-style: chr17-3558351-A-T.
Other names: p.Gly95=; c.285A>T, p.Gly95= (NM_001031681.3, NM_001374492.1); c.-157A>T (NM_001374493.1, NM_001374494.1, NM_001374495.1 and 1 more transcripts).
Identifiers: ClinVar variation 714823 (VCV000714823.19), dbSNP rs373998956, ClinGen allele CA8291652.

ClinVar aggregate classification (germline): Conflicting classifications of pathogenicity. Review status: criteria provided, conflicting classifications (1 of 4 stars). 5 submissions from 4 submitters: Uncertain significance (2); Benign (1); Likely benign (1). 1 of the submissions does not count toward it. Last evaluated 2026-01-26.

Conditions:
Cystinosis. Also called: Cystine diathesis; Cystine storage disease; Cystinoses. Identifiers: Orphanet 213, MedGen C4316899, MONDO:0016239.
Inborn genetic diseases. Identifiers: MedGen C0950123, MeSH D030342.
Juvenile nephropathic cystinosis. Also called: Intermediate Cystinosis; CYSTINOSIS, LATE-ONSET JUVENILE OR ADOLESCENT NEPHROPATHIC TYPE; Later-Onset (Juvenile) Cystinosis. Identifiers: Orphanet 213, Orphanet 411634, MedGen C0268626, MONDO:0009066, OMIM 219900.
Ocular cystinosis. Also called: Non-Nephropathic Cystinosis; Non-Nephropathic (Ocular) Cystinosis. Identifiers: Orphanet 213, Orphanet 411641, MedGen C2931013, MONDO:0009064, OMIM 219750.
Nephropathic cystinosis (CTNS). Also called: CYSTINOSIN, DEFECT OF; LYSOSOMAL CYSTINE TRANSPORT PROTEIN, DEFECT OF; Abderhalden Lignac Kaufmann disease; Abderhalden-Kaufmann-Lignac syndrome. Identifiers: Orphanet 213, Orphanet 411629, MedGen C2931187, MONDO:0100151, OMIM 219800.

Allele frequency attached by ClinVar (database versions not stated): gnomAD 0.00005; ESP Exome Variant Server 0.00008; gnomAD exomes 0.00010 and 0.00054; TOPMed 0.00014; ExAC 0.00054.
gnomAD v4.1: 152 of 1,614,020 alleles (0.0094%); highest among the groups gnomAD compares: Admixed American, 0.25%; 1 homozygote.

Submissions (5):

Labcorp Genetics (formerly Invitae), Labcorp
Classification: Benign for Inborn genetic diseases; Ocular cystinosis; Juvenile nephropathic cystinosis. Last evaluated: 2026-01-26. Review status: criteria provided, single submitter. Criteria: Invitae Variant Classification Sherloc (09022015). Collection method: clinical testing. Allele origin: germline.

Mayo Clinic Laboratories, Mayo Clinic
Classification: Likely benign. Last evaluated: 2023-11-18. Review status: criteria provided, single submitter. Criteria: ACMG Guidelines, 2015. Collection method: clinical testing. Allele origin: germline. Observed: 1 variant allele.
Comment: BP4, BP7

Illumina Laboratory Services, Illumina
Classification: Uncertain significance for Ocular cystinosis. Last evaluated: 2017-04-28. Review status: criteria provided, single submitter. Criteria: ICSL Variant Classification Criteria 13 December 2019. Collection method: clinical testing. Allele origin: germline.

Illumina Laboratory Services, Illumina
Classification: Uncertain significance for Nephropathic cystinosis. Last evaluated: 2017-04-28. Review status: criteria provided, single submitter. Criteria: ICSL Variant Classification Criteria 13 December 2019. Collection method: clinical testing. Allele origin: germline.

Natera, Inc.
Classification: Benign for Cystinosis. Last evaluated: 2020-02-07. Review status: no assertion criteria provided. Collection method: clinical testing. Allele origin: germline. Not counted in ClinVar's aggregate classification.